The following is an entry in ClinVar:

NM_001368882.1(COL13A1):c.570C>G (p.Gly190=)

Gene: COL13A1 (collagen type XIII alpha 1 chain; plus strand). Cytogenetic location: 10q22.1.
Variant type: single nucleotide variant.
Coding change: c.570C>G on transcript NM_001368882.1 (MANE Select); coding-DNA position 570, C replaced by G.
Protein change: p.Gly190=; no amino-acid change (glycine 190 retained).
Molecular consequence: synonymous variant. On other transcripts: 5 prime UTR variant (1).
Genome position (GRCh38, 1-based): chr10:69,888,324, C>G. VCF-style: chr10-69888324-C-G. GRCh37 (hg19) VCF-style: chr10-71648080-C-G.
Other names: c.543C>G, p.Gly181= (NM_001130103.2, NM_080800.4, NM_080801.4 and 1 more transcripts); c.570C>G, p.Gly190= (NM_001320951.2, NM_001368884.1); c.534C>G, p.Gly178= (NM_001368883.1, NM_001368885.1); c.-31C>G (NM_001368886.1); c.480C>G, p.Gly160= (NM_001368895.1); c.429C>G, p.Gly143= (NM_001368896.1, NM_001368898.1, NM_080798.4); c.456C>G, p.Gly152= (NM_001368897.1, NM_080805.4).
Identifiers: ClinVar variation 715510 (VCV000715510.11), dbSNP rs536370355, ClinGen allele CA5534261.

ClinVar aggregate classification (germline): Likely benign. Review status: criteria provided, single submitter (1 of 4 stars). 2 submissions from 2 submitters: Likely benign (1). 1 of the submissions does not count toward it. Last evaluated 2024-07-23.

Conditions:
COL13A1-related disorder. Also called: COL13A1-related condition.

Allele frequency attached by ClinVar (database versions not stated): gnomAD 0.00007 and 0.00005; TOPMed 0.00021; gnomAD exomes 0.00007 and 0.00023; 1000 Genomes Project 30x 0.00031; ExAC 0.00017; 1000 Genomes Project 0.00040.
gnomAD v4.1: 125 of 1,612,786 alleles (0.0078%); highest among the groups gnomAD compares: East Asian, 0.22%; no homozygotes.

Submissions (2):

Labcorp Genetics (formerly Invitae), Labcorp
Classification: Likely benign. Last evaluated: 2024-07-23. Review status: criteria provided, single submitter. Criteria: Invitae Variant Classification Sherloc (09022015). Collection method: clinical testing. Allele origin: germline.

PreventionGenetics, part of Exact Sciences
Classification: Likely benign for COL13A1-related condition. Last evaluated: 2019-08-02. Review status: no assertion criteria provided. Collection method: clinical testing. Allele origin: germline. Not counted in ClinVar's aggregate classification.
Comment: This variant is classified as likely benign based on ACMG/AMP sequence variant interpretation guidelines (Richards et al. 2015 PMID: 25741868, with internal and published modifications).